The following is an entry in ClinVar:

ClinVar aggregate classification (germline): Pathogenic (1 of 4 stars; one submission).

Submission:

Labcorp Genetics (formerly Invitae), Labcorp
Classification: Pathogenic. Last evaluated: 2022-08-23. Review status: criteria provided, single submitter. Criteria: Invitae Variant Classification Sherloc (09022015). Collection method: clinical testing. Allele origin: germline.
Comment: This sequence change creates a premature translational stop signal (p.Ser4327Profs*46) in the USH2A gene. It is expected to result in an absent or disrupted protein product. Loss-of-function variants in USH2A are known to be pathogenic (PMID: 10729113, 10909849, 20507924, 25649381). This variant is not present in population databases (gnomAD no frequency). This variant has not been reported in the literature in individuals affected with USH2A-related conditions. ClinVar contains an entry for this variant (Variation ID: 959025). For these reasons, this variant has been classified as Pathogenic.

Literature cited by the submitters: PubMed 10729113; PubMed 10909849; PubMed 20507924; PubMed 25649381.

NM_206933.4(USH2A):c.12979del (p.Ser4327fs)

Gene: USH2A (usherin; minus strand). Cytogenetic location: 1q41.
Variant type: Deletion.
Coding change: c.12979del on transcript NM_206933.4 (MANE Select); coding-DNA position 12979, one base deleted (T; older notation c.12979delT).
Protein change: p.Ser4327fs; shifts the reading frame from serine 4327.
Molecular consequence: frameshift variant.
Genome position (GRCh38, 1-based): chr1:215,674,932, A deleted on the plus strand (T on the coding strand, the reverse complement: USH2A is on the minus strand); the first of 5 consecutive A bases (chr1:215,674,932-215,674,936); deleting any one gives the same sequence. VCF-style (leftmost placement, unchanged base first): chr1-215674931-GA-G. GRCh37 (hg19) VCF-style: chr1-215848273-GA-G.
Other names: short protein forms S4327fs.
Identifiers: ClinVar variation 959025 (VCV000959025.8), dbSNP rs1657955465, ClinGen allele CA645537384.